The following is an entry in ClinVar:

ClinVar aggregate classification (germline): Uncertain significance (1 of 4 stars; one submission).

Submission:

Labcorp Genetics (formerly Invitae), Labcorp
Classification: Uncertain significance. Last evaluated: 2021-12-15. Review status: criteria provided, single submitter. Criteria: Invitae Variant Classification Sherloc (09022015). Collection method: clinical testing. Allele origin: germline.
Comment: This sequence change replaces aspartic acid, which is acidic and polar, with histidine, which is basic and polar, at codon 1426 of the TRPM1 protein (p.Asp1426His). This variant is not present in population databases (gnomAD no frequency). In summary, the available evidence is currently insufficient to determine the role of this variant in disease. Therefore, it has been classified as a Variant of Uncertain Significance. Algorithms developed to predict the effect of missense changes on protein structure and function are either unavailable or do not agree on the potential impact of this missense change (SIFT: "Tolerated"; PolyPhen-2: "Possibly Damaging"; Align-GVGD: "Class C0"). This variant has not been reported in the literature in individuals affected with TRPM1-related conditions.

NM_001252024.2(TRPM1):c.4342G>C (p.Asp1448His)

Gene: TRPM1 (transient receptor potential cation channel subfamily M member 1; minus strand). Cytogenetic location: 15q13.3.
Variant type: single nucleotide variant.
Coding change: c.4342G>C on transcript NM_001252024.2 (MANE Select); coding-DNA position 4342, G replaced by C.
Protein change: p.Asp1448His; replaces aspartic acid 1448 with histidine.
Molecular consequence: missense variant.
Genome position (GRCh38, 1-based): chr15:31,002,358, C>G on the plus strand (G>C on the coding strand, the complement: TRPM1 is on the minus strand). VCF-style: chr15-31002358-C-G. GRCh37 (hg19) VCF-style: chr15-31294561-C-G.
Other names: c.4393G>C, p.Asp1465His (NM_001252020.2); c.4276G>C, p.Asp1426His (NM_002420.6); short protein forms D1426H, D1465H, D1448H.
Identifiers: ClinVar variation 1495858 (VCV001495858.6), dbSNP rs751459846, ClinGen allele CA391525471.